The following is an entry in ClinVar:

NM_000038.6(APC):c.628A>G (p.Met210Val)

Gene: APC (APC regulator of Wnt signaling pathway; plus strand). Cytogenetic location: 5q22.2.
Variant type: single nucleotide variant.
Coding change: c.628A>G on transcript NM_000038.6 (MANE Select); coding-DNA position 628, A replaced by G.
Protein change: p.Met210Val; replaces methionine 210 with valine.
Molecular consequence: missense variant. On other transcripts: 5 prime UTR variant (1).
Genome position (GRCh38, 1-based): chr5:112,780,886, A>G. VCF-style: chr5-112780886-A-G. GRCh37 (hg19) VCF-style: chr5-112116583-A-G.
Other names: c.628A>G, p.Met210Val (NM_001127510.3, NM_001354895.2, NM_001354896.2 and 2 more transcripts); c.658A>G, p.Met220Val (NM_001127511.3, NM_001354897.2, NM_001354902.2); c.553A>G, p.Met185Val (NM_001354898.2, NM_001354904.2); c.451A>G, p.Met151Val (NM_001354900.2, NM_001354901.2, NM_001354905.2); c.-408A>G (NM_001354906.2); short protein forms M210V, M220V, M151V, M185V.
Identifiers: ClinVar variation 232708 (VCV000232708.6), dbSNP rs876659938, ClinGen allele CA10578297.

ClinVar aggregate classification (germline): Uncertain significance (1 of 4 stars; one submission).

Conditions:
Hereditary cancer-predisposing syndrome. Also called: Neoplastic Syndromes, Hereditary; Tumor predisposition; Hereditary Cancer Syndrome; Hereditary neoplastic syndrome. Identifiers: Orphanet 140162, MedGen C0027672, MeSH D009386, MONDO:0015356.

Submission:

Ambry Genetics
Classification: Uncertain significance for Hereditary cancer-predisposing syndrome. Last evaluated: 2024-10-21. Review status: criteria provided, single submitter. Criteria: Ambry Variant Classification Scheme 2023. Collection method: clinical testing. Allele origin: germline.
Comment: The p.M210V variant (also known as c.628A>G), located in coding exon 5 of the APC gene, results from an A to G substitution at nucleotide position 628. The methionine at codon 210 is replaced by valine, an amino acid with highly similar properties. This amino acid position is highly conserved in available vertebrate species. In addition, in silico predictors for this gene do not accurately predict pathogenicity. Based on the available evidence, the clinical significance of this variant remains unclear.